The following is an entry in ClinVar:

ClinVar aggregate classification (germline): Likely benign. Review status: criteria provided, single submitter (1 of 4 stars). 2 submissions from 2 submitters: Likely benign (1). 1 of the submissions does not count toward it. Last evaluated 2022-04-17.

Conditions:
MASP1-related disorder. Also called: MASP1-related condition.

Allele frequency attached by ClinVar (database versions not stated): gnomAD 0.00459; 1000 Genomes Project 30x 0.00515; 1000 Genomes Project 0.00459; gnomAD exomes 0.00058; ExAC 0.00137; ESP Exome Variant Server 0.00446; TOPMed 0.00506.
gnomAD v4.1: 1,592 of 1,613,274 alleles (0.099%); highest among the groups gnomAD compares: African/African-American, 1.6%; 10 homozygotes.

Submissions (3):

GeneDx
Classification: Likely benign. Last evaluated: 2022-04-17. Review status: criteria provided, single submitter. Criteria: GeneDx Variant Classification Process June 2021. Collection method: clinical testing. Allele origin: germline. Affected: yes.

PreventionGenetics, part of Exact Sciences
Classification: Benign for MASP1-related condition. Last evaluated: 2019-02-21. Review status: no assertion criteria provided. Collection method: clinical testing. Allele origin: germline. Not counted in ClinVar's aggregate classification.
Comment: This variant is classified as benign based on ACMG/AMP sequence variant interpretation guidelines (Richards et al. 2015 PMID: 25741868, with internal and published modifications).

Dr. Peter K. Rogan Lab, Western University
No classification provided (evidence only). Condition: Ovarian cancer. Review status: no classification provided. Collection method: in vitro. Allele origin: not applicable. Functional consequence: retained intron. Not counted in ClinVar's aggregate classification.

NM_001879.6(MASP1):c.1909+5G>A

Gene: MASP1 (MBL associated serine protease 1; minus strand). Cytogenetic location: 3q27.3.
Variant type: single nucleotide variant.
Coding change: c.1909+5G>A on transcript NM_001879.6 (MANE Plus Clinical); 5 bases into the intron after coding-DNA position 1909, G replaced by A.
Molecular consequence: intron variant.
Genome position (GRCh38, 1-based): chr3:187,221,030, C>T on the plus strand (G>A on the coding strand, the complement: MASP1 is on the minus strand). VCF-style: chr3-187221030-C-T. GRCh37 (hg19) VCF-style: chr3-186938818-C-T.
Other names: NC_000003.11:g.186938818C>T.
Identifiers: ClinVar variation 1710865 (VCV001710865.5), dbSNP rs72549176, ClinGen allele CA2748742.
Genomic context (GRCh38, chr3:187,221,030, plus strand): 5'-CTTGCTGGCTCTGCACCACTCCCTGGCTGGCAGCGCCCCTGTTGTATGCCAGCCTCTTAA[C>T]CCACCTTCCTTCTCCCCAGCACAGATCATGTCCCTGGTCACTTTCTTCTTCAGCGGGGCA-3'